The following is an entry in ClinVar:

NM_001457.4(FLNB):c.1747+155C>T

Gene: FLNB (filamin B; plus strand). Cytogenetic location: 3p14.3.
Variant type: single nucleotide variant.
Coding change: c.1747+155C>T on transcript NM_001457.4 (MANE Select); 155 bases into the intron after coding-DNA position 1747, C replaced by T.
Molecular consequence: intron variant.
Genome position (GRCh38, 1-based): chr3:58,105,371, C>T. VCF-style: chr3-58105371-C-T. GRCh37 (hg19) VCF-style: chr3-58091098-C-T.
Other names: c.1747+155C>T (NM_001164317.2, NM_001164318.2, NM_001164319.2).
Identifiers: ClinVar variation 671070 (VCV000671070.1), dbSNP rs7638552, ClinGen allele CA11444262.

ClinVar aggregate classification (germline): Benign (1 of 4 stars; one submission).

Allele frequency attached by ClinVar (database versions not stated): gnomAD 0.34183 and 0.35425; TOPMed 0.37165; 1000 Genomes Project 30x 0.55575; 1000 Genomes Project 0.55751.
gnomAD v4.1: 53,871 of 152,078 alleles (35%); highest among the groups gnomAD compares: East Asian, 91%; 11,242 homozygotes.

Submission:

GeneDx
Classification: Benign. Last evaluated: 2018-06-14. Review status: criteria provided, single submitter. Criteria: GeneDx Variant Classification (06012015). Collection method: clinical testing. Allele origin: germline. Affected: yes.
Comment: This variant is considered likely benign or benign based on one or more of the following criteria: it is a conservative change, it occurs at a poorly conserved position in the protein, it is predicted to be benign by multiple in silico algorithms, and/or has population frequency not consistent with disease.